The following is an entry in ClinVar:

ClinVar aggregate classification (germline): Likely benign. Review status: criteria provided, multiple submitters, no conflicts (2 of 4 stars). 3 submissions from 3 submitters: Likely benign (3). Last evaluated 2025-02-27.

Allele frequency attached by ClinVar (database versions not stated): gnomAD 0.00001; gnomAD exomes 0.00001.
gnomAD v4.1: 17 of 1,613,714 alleles (0.0011%); highest among the groups gnomAD compares: African/African-American, 0.0027%; no homozygotes.

Submissions (3):

Labcorp Genetics (formerly Invitae), Labcorp
Classification: Likely benign. Last evaluated: 2025-02-27. Review status: criteria provided, single submitter. Criteria: Invitae Variant Classification Sherloc (09022015). Collection method: clinical testing. Allele origin: germline.

Blueprint Genetics
Classification: Likely benign. Last evaluated: 2023-12-11. Review status: criteria provided, single submitter. Criteria: ACMG Guidelines, 2015. Collection method: clinical testing. Allele origin: germline.

CeGaT Center for Human Genetics Tuebingen
Classification: Likely benign. Last evaluated: 2022-05-01. Review status: criteria provided, single submitter. Criteria: CeGaT Center For Human Genetics Tuebingen Variant Classification Criteria Version 2. Collection method: clinical testing. Allele origin: germline. Affected: yes. Observed: 1 variant allele.
Comment: POLR3A: BP4, BP7

NM_007055.4(POLR3A):c.258C>T (p.Ile86=)

Genes: POLR3A (RNA polymerase III subunit A; minus strand), LOC126860971 (CDK7 strongly-dependent group 2 enhancer GRCh37_chr10:79784551-79785750; plus strand). Cytogenetic location: 10q22.3.
Variant type: single nucleotide variant.
Coding change: c.258C>T on transcript NM_007055.4 (MANE Select); coding-DNA position 258, C replaced by T.
Protein change: p.Ile86=; no amino-acid change (isoleucine 86 retained).
Molecular consequence: synonymous variant.
Genome position (GRCh38, 1-based): chr10:78,025,682, G>A on the plus strand (C>T on the coding strand, the complement: POLR3A is on the minus strand). VCF-style: chr10-78025682-G-A. GRCh37 (hg19) VCF-style: chr10-79785440-G-A.
Identifiers: ClinVar variation 2640627 (VCV002640627.26), dbSNP rs1471968444, ClinGen allele CA470404796.